The following is an entry in ClinVar:

NM_020436.5(SALL4):c.2449A>G (p.Thr817Ala)

Gene: SALL4 (spalt like transcription factor 4; minus strand). Cytogenetic location: 20q13.2.
Variant type: single nucleotide variant.
Coding change: c.2449A>G on transcript NM_020436.5 (MANE Select); coding-DNA position 2449, A replaced by G.
Protein change: p.Thr817Ala; replaces threonine 817 with alanine.
Molecular consequence: missense variant. On other transcripts: intron variant (1).
Genome position (GRCh38, 1-based): chr20:51,790,034, T>C on the plus strand (A>G on the coding strand, the complement: SALL4 is on the minus strand). VCF-style: chr20-51790034-T-C. GRCh37 (hg19) VCF-style: chr20-50406573-T-C.
Other names: c.2449A>G (NM_020436.4); c.1151-893A>G (NM_001318031.2); short protein forms T817A.
Identifiers: ClinVar variation 4945369 (VCV004945369.2).
Genomic context (GRCh38, chr20:51,790,034, plus strand): 5'-TGACCTTGAGCCCAAAATGGACATAAGTTAAATCCAAAGCTCTATCACCTTCCATCTCAG[T>C]GCGGCTGTTCTCGGAGCTCTCTGCTTTGCTCCCAGCATCGGGAGACTTTGACTTGATGCT-3'
Protein context (NP_065169.1, residues 807-827): SKAESSENSR[Thr817Ala]EMEGRSSLPS

ClinVar aggregate classification (germline): Likely benign. Review status: criteria provided, multiple submitters, no conflicts (2 of 4 stars). 2 submissions from 2 submitters: Likely benign (2). Last evaluated 2024-11-16.

Conditions:
SALL4-Related Disorders. Also called: SALL4-related condition; SALL4-related disorder. Identifiers: MedGen CN381056.

gnomAD v4.1: 22 of 1,614,056 alleles (0.0014%); highest among the groups gnomAD compares: East Asian, 0.042%; no homozygotes.

Submissions (2):

PreventionGenetics, part of Exact Sciences
Classification: Likely benign for SALL4-related condition. Last evaluated: 2024-11-16. Review status: criteria provided, single submitter. Criteria: ACMG Guidelines, 2015. Collection method: clinical testing. Allele origin: germline.
Comment: This variant is classified as likely benign based on ACMG/AMP sequence variant interpretation guidelines (Richards et al. 2015 PMID: 25741868, with internal and published modifications).

Blueprint Genetics
Classification: Likely benign. Last evaluated: 2023-09-19. Review status: criteria provided, single submitter. Criteria: ACMG Guidelines, 2015. Collection method: clinical testing. Allele origin: germline.